The following is an entry in ClinVar:

ClinVar aggregate classification (germline): Uncertain significance. Review status: criteria provided, multiple submitters, no conflicts (2 of 4 stars). 3 submissions from 3 submitters: Uncertain significance (3). Last evaluated 2026-09-11.

Conditions:
Cardiomyopathy (CMYO). Also called: Cardiomyopathies. Identifiers: Orphanet 167848, MedGen C0878544, MONDO:0004994, HP:0001638. Inheritance: Various modes of inheritance.
Arrhythmogenic right ventricular dysplasia 9 (ARVD9). Also called: Arrhythmogenic Right Ventricular Dysplasia/Cardiomyopathy 9; ARRHYTHMOGENIC RIGHT VENTRICULAR DYSPLASIA, FAMILIAL, 9. Identifiers: MedGen C1836906, MONDO:0012180, OMIM 609040.
Cardiovascular phenotype. Identifiers: MedGen CN230736.

Allele frequency attached by ClinVar (database versions not stated): ExAC 0.00001.
gnomAD v4.1: 4 of 1,614,174 alleles (0.00025%); highest among the groups gnomAD compares: East Asian, 0.0089%; no homozygotes.

Submissions (3):

Ambry Genetics
Classification: Uncertain significance for Cardiovascular phenotype. Last evaluated: 2026-09-11. Review status: criteria provided, single submitter. Criteria: Ambry Variant Classification Scheme 2023. Collection method: clinical testing. Allele origin: germline.
Comment: The p.S312P variant (also known as c.934T>C), located in coding exon 3 of the PKP2 gene, results from a T to C substitution at nucleotide position 934. The serine at codon 312 is replaced by proline, an amino acid with similar properties. This amino acid position is conserved. In addition, this alteration is predicted to be tolerated by in silico analysis. Based on the available evidence, the clinical significance of this variant remains unclear.

Labcorp Genetics (formerly Invitae), Labcorp
Classification: Uncertain significance for Arrhythmogenic right ventricular dysplasia 9. Last evaluated: 2024-12-25. Review status: criteria provided, single submitter. Criteria: Invitae Variant Classification Sherloc (09022015). Collection method: clinical testing. Allele origin: germline.
Comment: This sequence change replaces serine, which is neutral and polar, with proline, which is neutral and non-polar, at codon 312 of the PKP2 protein (p.Ser312Pro). This variant is present in population databases (rs756604557, gnomAD 0.02%). This variant has not been reported in the literature in individuals affected with PKP2-related conditions. ClinVar contains an entry for this variant (Variation ID: 921401). An algorithm developed to predict the effect of missense changes on protein structure and function (PolyPhen-2) suggests that this variant¬†is likely to be tolerated. In summary, the available evidence is currently insufficient to determine the role of this variant in disease. Therefore, it has been classified as a Variant of Uncertain Significance.

Color Diagnostics, LLC DBA Color Health
Classification: Uncertain significance for Cardiomyopathy. Last evaluated: 2024-03-06. Review status: criteria provided, single submitter. Criteria: ACMG Guidelines, 2015. Collection method: clinical testing. Allele origin: germline.
Comment: This missense variant replaces serine with proline at codon 312 of the PKP2 protein. Computational prediction suggests that this variant may not impact protein structure and function (internally defined REVEL score threshold <= 0.5, PMID: 27666373). Splice site prediction tools suggest that this variant may not impact RNA splicing. To our knowledge, functional studies have not been performed for this variant. This variant has not been reported in individuals affected with cardiovascular disorders in the literature. This variant has been identified in 3/251074 chromosomes in the general population by the Genome Aggregation Database (gnomAD). The available evidence is insufficient to determine the role of this variant in disease conclusively. Therefore, this variant is classified as a Variant of Uncertain Significance.

NM_001005242.3(PKP2):c.934T>C (p.Ser312Pro)

Gene: PKP2 (plakophilin 2; minus strand). Cytogenetic location: 12p11.21.
Variant type: single nucleotide variant.
Coding change: c.934T>C on transcript NM_001005242.3 (MANE Select); coding-DNA position 934, T replaced by C.
Protein change: p.Ser312Pro; replaces serine 312 with proline.
Molecular consequence: missense variant.
Genome position (GRCh38, 1-based): chr12:32,877,946, A>G on the plus strand (T>C on the coding strand, the complement: PKP2 is on the minus strand). VCF-style: chr12-32877946-A-G. GRCh37 (hg19) VCF-style: chr12-33030880-A-G.
Other names: c.934T>C, p.Ser312Pro (NM_004572.4); short protein forms S312P.
Identifiers: ClinVar variation 921401 (VCV000921401.11), dbSNP rs756604557, ClinGen allele CA039459.